The following is an entry in ClinVar:

NM_001007553.3(CSDE1):c.1807C>T (p.Arg603Cys)

Gene: CSDE1 (cold shock domain containing E1; minus strand). Cytogenetic location: 1p13.2.
Variant type: single nucleotide variant.
Coding change: c.1807C>T on transcript NM_001007553.3 (MANE Select); coding-DNA position 1807, C replaced by T.
Protein change: p.Arg603Cys; replaces arginine 603 with cysteine.
Molecular consequence: missense variant.
Genome position (GRCh38, 1-based): chr1:114,723,949, G>A on the plus strand (C>T on the coding strand, the complement: CSDE1 is on the minus strand). VCF-style: chr1-114723949-G-A. GRCh37 (hg19) VCF-style: chr1-115266570-G-A.
Other names: c.1852C>T, p.Arg618Cys (NM_001130523.3); c.1945C>T, p.Arg649Cys (NM_001242891.2); c.1807C>T, p.Arg603Cys (NM_001242892.2); c.1714C>T, p.Arg572Cys (NM_001242893.2, NM_007158.6); short protein forms R572C, R603C, R618C, R649C.
Identifiers: ClinVar variation 3375861 (VCV003375861.1).

ClinVar aggregate classification (germline): Uncertain significance (1 of 4 stars; one submission).

Submission:

GeneDx
Classification: Uncertain significance. Last evaluated: 2024-04-29. Review status: criteria provided, single submitter. Criteria: GeneDx Variant Classification Process June 2021. Collection method: clinical testing. Allele origin: germline. Affected: yes.
Comment: Not observed at significant frequency in large population cohorts (gnomAD); In silico analysis supports that this missense variant has a deleterious effect on protein structure/function; Has not been previously published as pathogenic or benign to our knowledge